The following is an entry in ClinVar:

ClinVar aggregate classification (germline): Pathogenic (1 of 4 stars; one submission).

Conditions:
Hereditary factor VIII deficiency disease (HEMA). Also called: AUTOSOMAL HEMOPHILIA A; Hemophilia A; Hemophilia A, congenital; HEM A; Factor 8 deficiency, congenital; HEMOPHILIA, CLASSIC. Identifiers: Orphanet 98878, MedGen C0019069, MONDO:0010602, OMIM 306700.

Submission:

Myriad Genetics, Inc.
Classification: Pathogenic for Hereditary factor VIII deficiency disease. Last evaluated: 2024-07-17. Review status: criteria provided, single submitter. Criteria: Myriad Autosomal Dominant, Autosomal Recessive and X-Linked Classification Criteria (2023). Collection method: clinical testing. Allele origin: unknown.
Comment: NM_000132.3(F8):c.3325C>T(Q1109*) is expected to be pathogenic in the context of hemophilia A. This variant is predicted to lead to an abnormal or absent protein product due to the creation of a premature termination codon in F8, a gene where loss-of-function variants are known to be pathogenic. Please note: this variant was assessed in the context of healthy population screening.

NM_000132.4(F8):c.3325C>T (p.Gln1109Ter)

Gene: F8 (coagulation factor VIII; minus strand). Cytogenetic location: Xq28.
Variant type: single nucleotide variant.
Coding change: c.3325C>T on transcript NM_000132.4 (MANE Select); coding-DNA position 3325, C replaced by T.
Protein change: p.Gln1109Ter; replaces glutamine 1109 with a stop codon.
Molecular consequence: nonsense.
Genome position (GRCh38, 1-based): chrX:154,930,465, G>A on the plus strand (C>T on the coding strand, the complement: F8 is on the minus strand). VCF-style: chrX-154930465-G-A. GRCh37 (hg19) VCF-style: chrX-154158740-G-A.
Other names: short protein forms Q1109*.
Identifiers: ClinVar variation 5013328 (VCV005013328.1).